The following is an entry in ClinVar:

ClinVar aggregate classification (germline): Uncertain significance (1 of 4 stars; one submission).

Submission:

ARUP Laboratories, Molecular Genetics and Genomics, ARUP Laboratories
Classification: Uncertain significance. Last evaluated: 2025-07-29. Review status: criteria provided, single submitter. Criteria: ARUP Molecular Germline Variant Investigation Process 2024. Collection method: clinical testing. Allele origin: germline.
Comment: The UGT1A1 c.769A>G; p.Arg257Gly variant, to our knowledge, is not reported in the medical literature or gene specific databases. This variant is also absent from the Genome Aggregation Database (v2.1.1), indicating it is not a common polymorphism. Computational analyses are uncertain whether this variant is neutral or deleterious (REVEL: 0.347). Due to limited information, the clinical significance of this variant is uncertain at this time.

NM_000463.3(UGT1A1):c.769A>G (p.Arg257Gly)

Genes: UGT1A (UDP glucuronosyltransferase family 1 member A complex locus; plus strand), UGT1A1 (UDP glucuronosyltransferase family 1 member A1; plus strand), UGT1A10 (UDP glucuronosyltransferase family 1 member A10; plus strand), UGT1A3 (UDP glucuronosyltransferase family 1 member A3; plus strand), UGT1A4 (UDP glucuronosyltransferase family 1 member A4; plus strand) and 5 more. Cytogenetic location: 2q37.1.
Variant type: single nucleotide variant.
Coding change: c.769A>G on transcript NM_000463.3 (MANE Select); coding-DNA position 769, A replaced by G.
Protein change: p.Arg257Gly; replaces arginine 257 with glycine.
Molecular consequence: missense variant. On other transcripts: intron variant (9).
Genome position (GRCh38, 1-based): chr2:233,761,056, A>G. VCF-style: chr2-233761056-A-G. GRCh37 (hg19) VCF-style: chr2-234669702-A-G.
Other names: c.856-5978A>G (NM_019076.5, NM_019075.4, NM_021027.3 and 1 more transcripts); c.61-5978A>G (NM_205862.3); c.862-5978A>G (NM_001072.4); c.868-5978A>G (NM_019078.2, NM_007120.3, NM_019093.4); short protein forms R257G.
Identifiers: ClinVar variation 4685988 (VCV004685988.1).